The following is an entry in ClinVar:

ClinVar aggregate classification (germline): Uncertain significance (1 of 4 stars; one submission).

Conditions:
Cardiovascular phenotype. Identifiers: MedGen CN230736.

Submission:

Ambry Genetics
Classification: Uncertain significance for Cardiovascular phenotype. Last evaluated: 2022-07-06. Review status: criteria provided, single submitter. Criteria: Ambry Variant Classification Scheme 2023. Collection method: clinical testing. Allele origin: germline.
Comment: The p.Q144H variant (also known as c.432G>C), located in coding exon 4 of the ACTN2 gene, results from a G to C substitution at nucleotide position 432. The glutamine at codon 144 is replaced by histidine, an amino acid with highly similar properties. This amino acid position is conserved. In addition, the in silico prediction for this alteration is inconclusive. Since supporting evidence is limited at this time, the clinical significance of this alteration remains unclear.

NM_001103.4(ACTN2):c.432G>C (p.Gln144His)

Gene: ACTN2 (actinin alpha 2; plus strand). Cytogenetic location: 1q43.
Variant type: single nucleotide variant.
Coding change: c.432G>C on transcript NM_001103.4 (MANE Select); coding-DNA position 432, G replaced by C.
Protein change: p.Gln144His; replaces glutamine 144 with histidine.
Molecular consequence: missense variant. On other transcripts: 5 prime UTR variant (1).
Genome position (GRCh38, 1-based): chr1:236,720,175, G>C. VCF-style: chr1-236720175-G-C. GRCh37 (hg19) VCF-style: chr1-236883475-G-C.
Other names: c.432G>C, p.Gln144His (NM_001278343.2); c.-390G>C (NM_001278344.2); c.-515G>C (NM_001412150.1); short protein forms Q144H.
Identifiers: ClinVar variation 1739771 (VCV001739771.2), dbSNP rs2527543140, ClinGen allele CA345374165.
Genomic context (GRCh38, chr1:236,720,175, plus strand): 5'-TGGCAACGTGAAAATGACCCTGGGTATGATCTGGACCATCATCCTTCGCTTTGCTATTCA[G>C]GATATTTCGGTTGAAGGTAAAAGACATGGTTAAAAGTCTAATTGTATAATCTGTAAATTG-3'
Protein context (NP_001094.1, residues 134-154): IWTIILRFAI[Gln144His]DISVEETSAK